The following is an entry in ClinVar:

NM_001009944.3(PKD1):c.9856CTC[1] (p.Leu3287del)

Gene: PKD1 (polycystin 1, transient receptor potential channel interacting; minus strand). Cytogenetic location: 16p13.3.
Variant type: Microsatellite.
Coding change: c.9856CTC[1] on transcript NM_001009944.3 (MANE Select); one copy of the 3-base unit CTC starting at c.9856; the reference has two copies in a row; one copy, 3 bases deleted; also written c.9859_9861del.
Protein change: p.Leu3287del; deletes leucine 3287.
Molecular consequence: inframe deletion.
Genome position (GRCh38, 1-based): chr16:2,099,923-2,099,925, GAG deleted on the plus strand (CTC on the coding strand, the reverse complement: PKD1 is on the minus strand); deleting any 3 consecutive bases within chr16:2,099,923-2,099,928 gives the same sequence; the position shown is the placement nearest the transcript's 3' end. VCF-style (leftmost placement, unchanged base first): chr16-2099922-TGAG-T. GRCh37 (hg19) VCF-style: chr16-2149923-TGAG-T.
Other names: p.3287_3287del; p.Leu3287del; c.9859_9861del (NM_001009944.3); c.9856CTC[1], p.Leu3287del (NM_000296.4); c.9859_9861delCTC (NM_001009944.2); short protein forms L3287del.
Identifiers: ClinVar variation 873402 (VCV000873402.16), dbSNP rs2092020811, ClinGen allele CA1139664430.

ClinVar aggregate classification (germline): Pathogenic/Likely pathogenic. Review status: criteria provided, multiple submitters, no conflicts (2 of 4 stars). 12 submissions from 12 submitters: Pathogenic (7); Likely pathogenic (3). 2 of the submissions do not count toward it. Last evaluated 2025-06-30.

Conditions:
Autosomal dominant polycystic kidney disease. Identifiers: Orphanet 730, MedGen C0085413, MONDO:0004691.
PKD1-related disorder. Also called: PKD1-related condition.
Polycystic kidney disease, adult type (PKD1). Also called: POLYCYSTIC KIDNEY DISEASE, ADULT, TYPE I; Polycystic Kidney Disease 1, Autosomal Dominant; Polycystic kidney disease 1; Polycystic kidney disease 1, severe; POLYCYSTIC KIDNEY DISEASE 1 WITH OR WITHOUT POLYCYSTIC LIVER DISEASE; Polycystic Kidney, Autosomal Dominant. Identifiers: MedGen C3149841, MONDO:0008263, OMIM 173900.

Submissions (12):

Variantyx, Inc.
Classification: Likely pathogenic for Polycystic kidney disease, adult type. Last evaluated: 2025-06-30. Review status: criteria provided, single submitter. Criteria: Variantyx Assertion Criteria 2022. Collection method: clinical testing. Allele origin: germline. Inheritance: Autosomal dominant inheritance. Affected: yes.
Comment: This is an inframe deletion variant in the PKD1 gene (OMIM: 601313). Pathogenic variants in this gene have been associated with autosomal dominant polycystic kidney disease 1. The clinical symptoms reported for this individual are highly specific for autosomal dominant polycystic kidney disease 1, which has a limited genetic etiology (PP4). The alteration causes an in-frame deletion of a single amino acid at position 3287 of the PKD1 protein (PM4_Supporting), that has been reported in at least 4 unrelated affected individuals (PMID: 26920127, 27835667, 35368817) (PS4_Moderate) and it has been observed to segregate with disease in at least 5 individuals from one family (PMID: 15018634) (PP1_Moderate). This variant has a 0.0001% maximum allele frequency in non-founder control populations (PM2). Based on the current evidence, this variant is classified as likely pathogenic for autosomal dominant polycystic kidney disease 1.

Mayo Clinic Laboratories, Mayo Clinic
Classification: Pathogenic. Last evaluated: 2025-06-20. Review status: criteria provided, single submitter. Criteria: ACMG Guidelines, 2015. Collection method: clinical testing. Allele origin: germline. Observed: 2 variant alleles.
Comment: PP1_strong, PM2_supporting, PM4_supporting, PM6, PS4

Blueprint Genetics
Classification: Pathogenic for PKD1-related disorders. Last evaluated: 2024-11-27. Review status: criteria provided, single submitter. Criteria: ACMG Guidelines, 2015. Collection method: clinical testing. Allele origin: germline. Affected: yes. Observed: 4 variant alleles.

GeneDx
Classification: Pathogenic. Last evaluated: 2024-08-08. Review status: criteria provided, single submitter. Criteria: GeneDx Variant Classification Process June 2021. Collection method: clinical testing. Allele origin: germline. Affected: yes.
Comment: In-frame deletion of one amino acid in a non-repeat region; Not observed at significant frequency in large population cohorts (gnomAD); In silico analysis supports a deleterious effect on protein structure/function; This variant is associated with the following publications: (PMID: 22008521, 15018634, 17574468, 1758216, 36938073, 30816285, 35368817, 17582161, 27835667)

Clinical Genetics Laboratory, Skane University Hospital Lund
Classification: Pathogenic for Autosomal dominant polycystic kidney disease. Last evaluated: 2024-05-13. Review status: criteria provided, single submitter. Criteria: ACMG Guidelines, 2015. Collection method: clinical testing. Allele origin: germline. Affected: yes.
Comment: ACMG criteria used: PS2 (de novo in another case PMID: 30816285), PS4, PM4

Fulgent Genetics
Classification: Likely pathogenic for Polycystic kidney disease, adult type. Last evaluated: 2024-03-04. Review status: criteria provided, single submitter. Criteria: ACMG Guidelines, 2015. Collection method: clinical testing. Allele origin: germline.

Athena Diagnostics
Classification: Pathogenic. Last evaluated: 2021-03-02. Review status: criteria provided, single submitter. Criteria: Athena Diagnostics criteria. Collection method: clinical testing. Allele origin: unknown.
Comment: This variant has not been reported in large, multi-ethnic general populations. This variant has been identified in multiple unrelated individuals with polycystic kidney disease (PKD), including an apparent de novo case (PMID: 17574468, 27835667, 22008521, 17582161, 30816285). This variant appears to segregate with disease in at least one family, however, the available information does not rule out segregation due to chance (PMID: 15018634).

Equipe Genetique des Anomalies du Developpement, Université de Bourgogne
Classification: Pathogenic for Polycystic kidney disease, adult type. Last evaluated: 2021-02-06. Review status: criteria provided, single submitter. Criteria: ACMG Guidelines, 2015. Collection method: clinical testing. Allele origin: unknown. Inheritance: Autosomal dominant inheritance. Affected: yes.

Cavalleri Lab, Royal College of Surgeons in Ireland
Classification: Likely pathogenic for Polycystic kidney disease, adult type. Last evaluated: 2020-02-05. Review status: criteria provided, single submitter. Criteria: ACMG Guidelines, 2015. Collection method: research. Allele origin: unknown. Inheritance: Autosomal dominant inheritance. Affected: yes.
Comment: PM2, PM4, PP4, PP5

Juno Genomics, Hangzhou Juno Genomics, Inc
Classification: Pathogenic for Polycystic kidney disease, adult type. Review status: criteria provided, single submitter. Criteria: ACMG Guidelines, 2015. Collection method: clinical testing. Allele origin: germline. Affected: yes.
Comment: Absent from controls (or at extremely low frequency if recessive) in Genome Aggregation Database, Exome Sequencing Project, 1000 Genomes Project, or Exome Aggregation Consortium.;Protein length changes due to in-frame deletions/insertions in a non-repeat region or stop-loss variants.;The prevalence of the variant in affected individuals is significantly increased compared to the prevalence in controls.;Assumed de novo, but without confirmation of paternity and maternity.;Patient's phenotype or family history is highly specific for a disease with a single genetic etiology.;Co-segregation with disease in multiple affected family members in a gene definitively known to cause the disease.

PreventionGenetics, part of Exact Sciences
Classification: Pathogenic for PKD1-related condition. Last evaluated: 2024-07-01. Review status: no assertion criteria provided. Collection method: clinical testing. Allele origin: germline. Not counted in ClinVar's aggregate classification.
Comment: The PKD1 c.9859_9861delCTC variant is predicted to result in an in-frame deletion (p.Leu3287del). This variant has been reported in individuals with polycystic kidney disease (see for example at Thongnoppakhun et al. 2004. PubMed ID: 15018634; Bataille et al. 2011. PubMed ID: 22008521; reported as de novo, Supplementary Table 2 of Pandita et al. 2019. PubMed ID: 30816285). This variant has not been reported in a large population database, indicating it is rare. Of note, we have found this variant in multiple presumably unrelated patients tested for polycystic kidney disease at PreventionGenetics. This variant is interpreted as pathogenic.

Department of Pathology and Laboratory Medicine, Sinai Health System
Classification: Uncertain significance for Polycystic kidney disease, adult type. Last evaluated: 2020-08-21. Review status: flagged submission. Criteria: ACMG Guidelines, 2015. Collection method: clinical testing. Allele origin: germline. Affected: yes. Not counted in ClinVar's aggregate classification.
ClinVar note: Reason: Outlier claim with insufficient supporting evidence

Literature cited by the submitters: PubMed 26920127 (cited by Variantyx, Inc.); PubMed 27835667 (cited by 3 submitters); PubMed 35368817 (cited by Variantyx, Inc. and Mayo Clinic Laboratories, Mayo Clinic); PubMed 15018634 (cited by 4 submitters); PubMed 17574468 (cited by 3 submitters); PubMed 17582161 (cited by 3 submitters); PubMed 22008521 (cited by 3 submitters); PubMed 27499327 (cited by Mayo Clinic Laboratories, Mayo Clinic); PubMed 30816285 (cited by Mayo Clinic Laboratories, Mayo Clinic and Athena Diagnostics); PubMed 36938073 (cited by Mayo Clinic Laboratories, Mayo Clinic); PubMed 38481516 (cited by Mayo Clinic Laboratories, Mayo Clinic); PubMed 38527221 (cited by Mayo Clinic Laboratories, Mayo Clinic); PubMed 26823553 (cited by Athena Diagnostics).